The following is an entry in ClinVar:

NM_002471.4(MYH6):c.4206C>T (p.Ala1402=)

Gene: MYH6 (myosin heavy chain 6; minus strand). Cytogenetic location: 14q11.2.
Variant type: single nucleotide variant.
Coding change: c.4206C>T on transcript NM_002471.4 (MANE Select); coding-DNA position 4206, C replaced by T.
Protein change: p.Ala1402=; no amino-acid change (alanine 1402 retained).
Molecular consequence: synonymous variant.
Genome position (GRCh38, 1-based): chr14:23,388,308, G>A on the plus strand (C>T on the coding strand, the complement: MYH6 is on the minus strand). VCF-style: chr14-23388308-G-A. GRCh37 (hg19) VCF-style: chr14-23857517-G-A.
Identifiers: ClinVar variation 44506 (VCV000044506.37), dbSNP rs111638554, ClinGen allele CA134388.

ClinVar aggregate classification (germline): Benign. Review status: criteria provided, multiple submitters, no conflicts (2 of 4 stars). 12 submissions from 12 submitters: Benign (9). 3 of the submissions do not count toward it. Last evaluated 2026-02-01.

Conditions:
Cardiovascular phenotype. Identifiers: MedGen CN230736.
Hypertrophic cardiomyopathy 1 (CMH1). Also called: Familial hypertrophic cardiomyopathy 1; MYH7-Related Familial Hypertrophic Cardiomyopathy. Identifiers: MedGen C3495498, MONDO:0008647, OMIM 192600.
Hypertrophic cardiomyopathy 14. Identifiers: MedGen C2750467, MONDO:0013197, OMIM 613251.
Dilated cardiomyopathy 1EE (CMD1EE). Identifiers: Orphanet 154, MedGen C2750466, MONDO:0013198, OMIM 613252.
Sick sinus syndrome 3, susceptibility to (SSS3). Identifiers: Orphanet 166282, MedGen C3279791, MONDO:0013568, OMIM 614090.
Atrial septal defect 3 (ASD3). Identifiers: Orphanet 1478, MedGen C3279790, MONDO:0013567, OMIM 614089.
Cardiomyopathy (CMYO). Also called: Cardiomyopathies. Identifiers: Orphanet 167848, MedGen C0878544, MONDO:0004994, HP:0001638. Inheritance: Various modes of inheritance.

Allele frequency attached by ClinVar (database versions not stated): gnomAD exomes 0.00171 and 0.00063; ExAC 0.00219; gnomAD 0.00679 and 0.00728; 1000 Genomes Project 0.00779; TOPMed 0.00784; 1000 Genomes Project 30x 0.00859; ESP Exome Variant Server 0.00884.
gnomAD v4.1: 1,999 of 1,613,252 alleles (0.12%); highest among the groups gnomAD compares: African/African-American, 2.4%; 24 homozygotes.

Submissions (12):

Labcorp Genetics (formerly Invitae), Labcorp
Classification: Benign for Hypertrophic cardiomyopathy 14. Last evaluated: 2026-02-01. Review status: criteria provided, single submitter. Criteria: Invitae Variant Classification Sherloc (09022015). Collection method: clinical testing. Allele origin: germline.

ARUP Laboratories, Molecular Genetics and Genomics, ARUP Laboratories
Classification: Benign. Last evaluated: 2024-06-27. Review status: criteria provided, single submitter. Criteria: ARUP Molecular Germline Variant Investigation Process 2024. Collection method: clinical testing. Allele origin: germline.

Fulgent Genetics
Classification: Benign for Hypertrophic cardiomyopathy 1; Hypertrophic cardiomyopathy 14; Dilated cardiomyopathy 1EE; Atrial septal defect 3; Sick sinus syndrome 3, susceptibility to. Last evaluated: 2022-01-05. Review status: criteria provided, single submitter. Criteria: ACMG Guidelines, 2015. Collection method: clinical testing. Allele origin: unknown.

Women's Health and Genetics/Laboratory Corporation of America, LabCorp
Classification: Benign. Last evaluated: 2017-06-26. Review status: criteria provided, single submitter. Criteria: LabCorp Variant Classification Summary - May 2015. Collection method: clinical testing. Allele origin: germline.
Comment: Variant summary: The MYH6 c.4206C>T (p.Ala1402Ala) variant involves the alteration of a non-conserved nucleotide, resulting in a synonymous change. One in silico tool predicts a damaging outcome for this variant. 5/5 splice prediction tools predict no significant impact on normal splicing. ESE finder predicts that this variant may affect ESE sites. However, these predictions have yet to be confirmed by functional studies. This variant was found in 266/121350 control chromosomes (2 homozygotes) at a frequency of 0.002192, which is approximately 88 times the estimated maximal expected allele frequency of a pathogenic MYH6 variant (0.000025), suggesting this variant is likely a benign polymorphism. In addition, multiple clinical diagnostic laboratories/reputable databases classified this variant as benign/likely benign. Taken together, this variant is classified as benign.

GeneDx
Classification: Benign. Last evaluated: 2017-04-05. Review status: criteria provided, single submitter. Criteria: GeneDx Variant Classification (06012015). Collection method: clinical testing. Allele origin: germline. Affected: yes.
Comment: This variant is considered likely benign or benign based on one or more of the following criteria: it is a conservative change, it occurs at a poorly conserved position in the protein, it is predicted to be benign by multiple in silico algorithms, and/or has population frequency not consistent with disease.

CHEO Genetics Diagnostic Laboratory, Children's Hospital of Eastern Ontario
Classification: Benign for Cardiomyopathy. Last evaluated: 2016-06-17. Review status: criteria provided, single submitter. Criteria: ACMG Guidelines, 2015. Collection method: clinical testing. Allele origin: germline. Study: Canadian Open Genetics Repository.

Ambry Genetics
Classification: Benign for Cardiovascular phenotype. Last evaluated: 2015-07-15. Review status: criteria provided, single submitter. Criteria: Ambry Variant Classification Scheme 2023. Collection method: clinical testing. Allele origin: germline.

Laboratory for Molecular Medicine, Mass General Brigham Personalized Medicine
Classification: Benign. Last evaluated: 2012-07-06. Review status: criteria provided, single submitter. Criteria: LMM Criteria. Collection method: clinical testing. Allele origin: germline. Observed: 9 variant alleles.
Comment: Ala1402Ala in Exon 30 of MYH6: This variant is not expected to have clinical sig nificance because it does not alter an amino acid residue, is not located within the splice consensus sequence and has been identified in 2.8% (104/3738) of Afr ican American chromosomes from a broad population by the NHLBI Exome Sequencing Project (dbSNP rs111638554).

Breakthrough Genomics
Classification: Benign. Review status: criteria provided, single submitter. Criteria: ACMG Guidelines, 2015. Collection method: not provided. Allele origin: germline. Inheritance: Autosomal dominant inheritance. Affected: yes.

Clinical Genetics DNA and cytogenetics Diagnostics Lab, Erasmus MC, Erasmus Medical Center
Classification: Benign. Review status: no assertion criteria provided. Collection method: clinical testing. Allele origin: germline. Affected: yes. Study: VKGL Data-share Consensus. Not counted in ClinVar's aggregate classification.

Clinical Genetics, Academic Medical Center
Classification: Benign. Review status: no assertion criteria provided. Collection method: clinical testing. Allele origin: germline. Affected: yes. Study: VKGL Data-share Consensus. Not counted in ClinVar's aggregate classification.

Diagnostic Laboratory, Department of Genetics, University Medical Center Groningen
Classification: Likely benign. Review status: no assertion criteria provided. Collection method: clinical testing. Allele origin: germline. Affected: yes. Study: VKGL Data-share Consensus. Not counted in ClinVar's aggregate classification.